The following is an entry in ClinVar:

NM_006690.4(MMP24):c.142G>A (p.Gly48Ser)

Genes: MMP24 (matrix metallopeptidase 24; plus strand), MMP24-AS1-EDEM2 (MMP24-AS1-EDEM2 readthrough; minus strand). Cytogenetic location: 20q11.22.
Variant type: single nucleotide variant.
Coding change: c.142G>A on transcript NM_006690.4 (MANE Select); coding-DNA position 142, G replaced by A.
Protein change: p.Gly48Ser; replaces glycine 48 with serine.
Molecular consequence: missense variant. On other transcripts: intron variant (1).
Genome position (GRCh38, 1-based): chr20:35,226,880, G>A. VCF-style: chr20-35226880-G-A. GRCh37 (hg19) VCF-style: chr20-33814683-G-A.
Other names: c.-351-8819C>T (NM_001355008.2); short protein forms G48S.
Identifiers: ClinVar variation 3912140 (VCV003912140.1).

ClinVar aggregate classification (germline): Uncertain significance (1 of 4 stars; one submission).

Submission:

Ambry Genetics
Classification: Uncertain significance. Last evaluated: 2025-05-21. Review status: criteria provided, single submitter. Criteria: Ambry Variant Classification Scheme 2023. Collection method: clinical testing. Allele origin: germline.
Comment: The c.142G>A (p.G48S) alteration is located in exon (coding exon ) of the MMP24 gene. This alteration results from a G to A substitution at nucleotide position 142, causing the glycine (G) at amino acid position 48 to be replaced by a serine (S). Based on insufficient or conflicting evidence, the clinical significance of this alteration remains unclear.